The following is an entry in ClinVar:

NM_024408.4(NOTCH2):c.3920T>C (p.Val1307Ala)

Gene: NOTCH2 (notch receptor 2; minus strand). Cytogenetic location: 1p12.
Variant type: single nucleotide variant.
Coding change: c.3920T>C on transcript NM_024408.4 (MANE Select); coding-DNA position 3920, T replaced by C.
Protein change: p.Val1307Ala; replaces valine 1307 with alanine.
Molecular consequence: missense variant.
Genome position (GRCh38, 1-based): chr1:119,926,584, A>G on the plus strand (T>C on the coding strand, the complement: NOTCH2 is on the minus strand). VCF-style: chr1-119926584-A-G. GRCh37 (hg19) VCF-style: chr1-120469207-A-G.
Other names: short protein forms V1307A.
Identifiers: ClinVar variation 1930697 (VCV001930697.6), dbSNP rs2526152876, ClinGen allele CA341892160.

ClinVar aggregate classification (germline): Uncertain significance. Review status: criteria provided, multiple submitters, no conflicts (2 of 4 stars). 2 submissions from 2 submitters: Uncertain significance (2). Last evaluated 2022-08-19.

Conditions:
Hajdu-Cheney syndrome (HJCYS). Also called: ACROOSTEOLYSIS WITH OSTEOPOROSIS AND CHANGES IN SKULL AND MANDIBLE; Acroosteolysis dominant type; SERPENTINE FIBULA-POLYCYSTIC KIDNEY SYNDROME. Identifiers: Orphanet 955, MedGen C0917715, MONDO:0007057, OMIM 102500.

Submissions (2):

Labcorp Genetics (formerly Invitae), Labcorp
Classification: Uncertain significance for Hajdu-Cheney syndrome. Last evaluated: 2022-08-19. Review status: criteria provided, single submitter. Criteria: Invitae Variant Classification Sherloc (09022015). Collection method: clinical testing. Allele origin: germline.
Comment: Advanced modeling of protein sequence and biophysical properties (such as structural, functional, and spatial information, amino acid conservation, physicochemical variation, residue mobility, and thermodynamic stability) performed at Invitae indicates that this missense variant is not expected to disrupt NOTCH2 protein function. Algorithms developed to predict the effect of sequence changes on RNA splicing suggest that this variant may disrupt the consensus splice site. In summary, the available evidence is currently insufficient to determine the role of this variant in disease. Therefore, it has been classified as a Variant of Uncertain Significance. This variant has not been reported in the literature in individuals affected with NOTCH2-related conditions. This sequence change replaces valine, which is neutral and non-polar, with alanine, which is neutral and non-polar, at codon 1307 of the NOTCH2 protein (p.Val1307Ala). This variant is not present in population databases (gnomAD no frequency).

Blueprint Genetics
Classification: Uncertain significance. Last evaluated: 2021-01-07. Review status: criteria provided, single submitter. Criteria: ACMG Guidelines, 2015. Collection method: clinical testing. Allele origin: germline.